The following is an entry in ClinVar:

NM_015141.4(GPD1L):c.1A>G (p.Met1Val)

Genes: GPD1L (glycerol-3-phosphate dehydrogenase 1 like; plus strand), LOC129936414 (ATAC-STARR-seq lymphoblastoid silent region 14165; plus strand). Cytogenetic location: 3p22.3.
Variant type: single nucleotide variant.
Coding change: c.1A>G on transcript NM_015141.4 (MANE Select); coding-DNA position 1, A replaced by G.
Protein change: p.Met1Val; changes the start codon (methionine 1).
Molecular consequence: missense variant, initiator codon variant.
Genome position (GRCh38, 1-based): chr3:32,106,712, A>G. VCF-style: chr3-32106712-A-G. GRCh37 (hg19) VCF-style: chr3-32148204-A-G.
Other names: short protein forms M1V.
Identifiers: ClinVar variation 1307864 (VCV001307864.10), dbSNP rs148643167, ClinGen allele CA2296529.
Genomic context (GRCh38, chr3:32,106,712, plus strand): 5'-AGGCGGAGGTGGGCAGCCGGCCAGGGAAGCACGGTCCAGGCGGCTACATTCGGCCCGGCC[A>G]TGGCAGCGGCGCCCCTGAAAGTGTGCATCGTGGGCTCGGGGAACTGGTGAGCGGCGGCGG-3'
Protein context (NP_055956.1, residues 1-11): [Met1Val]AAAPLKVCIV

ClinVar aggregate classification (germline): Uncertain significance. Review status: criteria provided, multiple submitters, no conflicts (2 of 4 stars). 3 submissions from 3 submitters: Uncertain significance (3). Last evaluated 2024-12-16.

Conditions:
Cardiovascular phenotype. Identifiers: MedGen CN230736.
Brugada syndrome. Also called: Sudden unexpected nocturnal death syndrome; Sudden Unexplained Death Syndrome; Sudden Unexplained Nocturnal Death Syndrome (SUNDS); Sudden unexplained nocturnal death syndrome. Identifiers: Orphanet 130, MedGen C1142166, MONDO:0015263.

Allele frequency attached by ClinVar (database versions not stated): 1000 Genomes Project 30x 0.00016; 1000 Genomes Project 0.00020; ExAC 0.00001; gnomAD 0.00001; gnomAD exomes 0.00001; TOPMed 0.00001; ESP Exome Variant Server 0.00008.

Submissions (3):

Labcorp Genetics (formerly Invitae), Labcorp
Classification: Uncertain significance for Brugada syndrome. Last evaluated: 2024-12-16. Review status: criteria provided, single submitter. Criteria: Invitae Variant Classification Sherloc (09022015). Collection method: clinical testing. Allele origin: germline.
Comment: This sequence change affects the initiator methionine of the GPD1L mRNA. The next in-frame methionine is located at codon 40. This variant is present in population databases (rs148643167, gnomAD 0.004%). This variant has not been reported in the literature in individuals affected with GPD1L-related conditions. ClinVar contains an entry for this variant (Variation ID: 1307864). Experimental studies and prediction algorithms are not available or were not evaluated, and the functional significance of this variant is currently unknown. In summary, the available evidence is currently insufficient to determine the role of this variant in disease. Therefore, it has been classified as a Variant of Uncertain Significance.

GeneDx
Classification: Uncertain significance. Last evaluated: 2019-08-16. Review status: criteria provided, single submitter. Criteria: GeneDx Variant Classification Process June 2021. Collection method: clinical testing. Allele origin: germline. Affected: yes.
Comment: Has not been previously published as pathogenic or benign to our knowledge; Not observed in large population cohorts (Lek et al., 2016); Initiation codon variant in a gene for which loss-of-function is not a known mechanism of disease

Ambry Genetics
Classification: Uncertain significance for Cardiovascular phenotype. Last evaluated: 2019-08-06. Review status: criteria provided, single submitter. Criteria: Ambry Variant Classification Scheme 2023. Collection method: clinical testing. Allele origin: germline.
Comment: The p.M1? variant (also known as c.1A>G), located in coding exon 1 of the GPD1L gene, results from an A to G substitution at nucleotide position 1. This alters the methionine residue at the initiation codon. This alteration is expected to modify the initiation codon (ATG) resulting in either loss of translation initiation, N-terminal truncation, or cause a shift in the mRNA reading frame. However, loss of function of GPD1L has not been clearly established as a mechanism of disease. Since supporting evidence is limited at this time, the clinical significance of this alteration remains unclear.